The following is an entry in ClinVar:

ClinVar aggregate classification (germline): Uncertain significance (1 of 4 stars; one submission).

Conditions:
Inborn genetic diseases. Identifiers: MedGen C0950123, MeSH D030342.

gnomAD v4.1: 1 of 1,613,320 alleles (0.000062%); highest among the groups gnomAD compares: Admixed American, 0.0017%; no homozygotes.

Submission:

Ambry Genetics
Classification: Uncertain significance for Inborn genetic diseases. Last evaluated: 2025-06-01. Review status: criteria provided, single submitter. Criteria: Ambry Variant Classification Scheme 2023. Collection method: clinical testing. Allele origin: germline.
Comment: The p.F314I variant (also known as c.940T>A), located in coding exon 6 of the G6PC3 gene, results from a T to A substitution at nucleotide position 940. The phenylalanine at codon 314 is replaced by isoleucine, an amino acid with highly similar properties. This amino acid position is conserved. In addition, the in silico prediction for this alteration is inconclusive. Based on the available evidence, the clinical significance of this variant remains unclear.

NM_138387.4(G6PC3):c.940T>A (p.Phe314Ile)

Gene: G6PC3 (glucose-6-phosphatase catalytic subunit 3; plus strand). Cytogenetic location: 17q21.31.
Variant type: single nucleotide variant.
Coding change: c.940T>A on transcript NM_138387.4 (MANE Select); coding-DNA position 940, T replaced by A.
Protein change: p.Phe314Ile; replaces phenylalanine 314 with isoleucine.
Molecular consequence: missense variant. On other transcripts: 3 prime UTR variant (1).
Genome position (GRCh38, 1-based): chr17:44,075,942, T>A. VCF-style: chr17-44075942-T-A. GRCh37 (hg19) VCF-style: chr17-42153310-T-A.
Other names: c.*233T>A (NM_001319945.2); c.595T>A, p.Phe199Ile (NM_001384165.1, NM_001384166.1, NM_001384167.1 and 1 more transcripts); short protein forms F199I, F314I.
Identifiers: ClinVar variation 4027617 (VCV004027617.1).